The following is an entry in ClinVar:

NM_000080.4(CHRNE):c.509C>A (p.Thr170Lys)

Genes: C17orf107 (chromosome 17 open reading frame 107; plus strand), CHRNE (cholinergic receptor nicotinic epsilon subunit; minus strand). Cytogenetic location: 17p13.2.
Variant type: single nucleotide variant.
Coding change: c.509C>A on transcript NM_000080.4 (MANE Select); coding-DNA position 509, C replaced by A.
Protein change: p.Thr170Lys; replaces threonine 170 with lysine.
Molecular consequence: missense variant. On other transcripts: 3 prime UTR variant (1).
Genome position (GRCh38, 1-based): chr17:4,901,617, G>T on the plus strand (C>A on the coding strand, the complement: CHRNE is on the minus strand). VCF-style: chr17-4901617-G-T. GRCh37 (hg19) VCF-style: chr17-4804912-G-T.
Other names: c.*1084G>T (NM_001145536.2); short protein forms T170K.
Identifiers: ClinVar variation 4708588 (VCV004708588.1).

ClinVar aggregate classification (germline): Uncertain significance (1 of 4 stars; one submission).

Conditions:
Congenital myasthenic syndrome 4A. Also called: Myasthenic syndrome, congenital, 4a, slow-channel; MYASTHENIC SYNDROME, CONGENITAL, 4A, SLOW-CHANNEL, AUTOSOMAL RECESSIVE; CONGENITAL MYASTHENIC SYNDROME TYPE Ia1. Identifiers: Orphanet 590, MedGen C4225413, MONDO:0011600, OMIM 605809.

gnomAD v4.1: 4 of 1,614,020 alleles (0.00025%); highest among the groups gnomAD compares: Non-Finnish European, 0.00034%; no homozygotes.

Submission:

Labcorp Genetics (formerly Invitae), Labcorp
Classification: Uncertain significance for Congenital myasthenic syndrome 4A. Last evaluated: 2025-08-05. Review status: criteria provided, single submitter. Criteria: Invitae Variant Classification Sherloc (09022015). Collection method: clinical testing. Allele origin: germline.
Comment: This sequence change replaces threonine, which is neutral and polar, with lysine, which is basic and polar, at codon 170 of the CHRNE protein (p.Thr170Lys). This variant is not present in population databases (gnomAD no frequency). This variant has not been reported in the literature in individuals affected with CHRNE-related conditions. Invitae Evidence Modeling of protein sequence and biophysical properties (such as structural, functional, and spatial information, amino acid conservation, physicochemical variation, residue mobility, and thermodynamic stability) indicates that this missense variant is expected to disrupt CHRNE protein function with a positive predictive value of 80%. In summary, the available evidence is currently insufficient to determine the role of this variant in disease. Therefore, it has been classified as a Variant of Uncertain Significance.